The following is an entry in ClinVar:

NM_000179.3(MSH6):c.3232G>A (p.Val1078Ile)

Gene: MSH6 (mutS homolog 6; plus strand). Cytogenetic location: 2p16.3.
Variant type: single nucleotide variant.
Coding change: c.3232G>A on transcript NM_000179.3 (MANE Select); coding-DNA position 3232, G replaced by A.
Protein change: p.Val1078Ile; replaces valine 1078 with isoleucine.
Molecular consequence: missense variant. On other transcripts: non-coding transcript variant (5), intron variant (1).
Genome position (GRCh38, 1-based): chr2:47,803,479, G>A. VCF-style: chr2-47803479-G-A. GRCh37 (hg19) VCF-style: chr2-48030618-G-A.
Other names: c.2842G>A, p.Val948Ile (NM_001281492.2); c.2326G>A, p.Val776Ile (NM_001281493.2, NM_001281494.2, NM_001406811.1 and 6 more transcripts); c.3328G>A, p.Val1110Ile (NM_001406795.1, NM_001406802.1); c.3232G>A, p.Val1078Ile (NM_001406796.1, NM_001406800.1, NM_001406808.1 and 1 more transcripts); c.2935G>A, p.Val979Ile (NM_001406797.1, NM_001406801.1, NM_001406805.1 and 10 more transcripts); c.2707G>A, p.Val903Ile (NM_001406799.1, NM_001406806.1, NM_001406807.1); c.2368G>A, p.Val790Ile (NM_001406803.1); c.3154G>A, p.Val1052Ile (NM_001406804.1); and 7 more; short protein forms V1078I, V1080I, V1110I, V5I, V556I, V979I, V1022I, V1052I.
Identifiers: ClinVar variation 3693927 (VCV003693927.1).

ClinVar aggregate classification (germline): Uncertain significance (1 of 4 stars; one submission).

Conditions:
Hereditary nonpolyposis colorectal neoplasms. Identifiers: MedGen C0009405, MeSH D003123.

Submission:

Labcorp Genetics (formerly Invitae), Labcorp
Classification: Uncertain significance for Hereditary nonpolyposis colorectal neoplasms. Last evaluated: 2024-09-19. Review status: criteria provided, single submitter. Criteria: Invitae Variant Classification Sherloc (09022015). Collection method: clinical testing. Allele origin: germline.
Comment: This sequence change replaces valine, which is neutral and non-polar, with isoleucine, which is neutral and non-polar, at codon 1078 of the MSH6 protein (p.Val1078Ile). This variant is not present in population databases (gnomAD no frequency). This variant has not been reported in the literature in individuals affected with MSH6-related conditions. Invitae Evidence Modeling of protein sequence and biophysical properties (such as structural, functional, and spatial information, amino acid conservation, physicochemical variation, residue mobility, and thermodynamic stability) indicates that this missense variant is not expected to disrupt MSH6 protein function with a negative predictive value of 95%. In summary, the available evidence is currently insufficient to determine the role of this variant in disease. Therefore, it has been classified as a Variant of Uncertain Significance.